The following is an entry in ClinVar:

ClinVar aggregate classification (germline): Uncertain significance. Review status: criteria provided, multiple submitters, no conflicts (2 of 4 stars). 2 submissions from 2 submitters: Uncertain significance (2). Last evaluated 2025-07-02.

Conditions:
Hereditary cancer-predisposing syndrome. Also called: Neoplastic Syndromes, Hereditary; Hereditary Cancer Syndrome; Hereditary neoplastic syndrome; Tumor predisposition. Identifiers: Orphanet 140162, MedGen C0027672, MeSH D009386, MONDO:0015356.
Mitochondrial complex II deficiency, nuclear type 1. Also called: SUCCINATE CoQ REDUCTASE DEFICIENCY. Identifiers: Orphanet 3208, MedGen C5700310, MONDO:0100294, OMIM 252011.
Pheochromocytoma/paraganglioma syndrome 5. Also called: Paragangliomas 5; SDHA-Related Hereditary Paraganglioma-Pheochromocytoma Syndrome. Identifiers: Orphanet 29072, MedGen C3279992, MONDO:0013602, OMIM 614165.

Submissions (2):

Labcorp Genetics (formerly Invitae), Labcorp
Classification: Uncertain significance for Pheochromocytoma/paraganglioma syndrome 5; Mitochondrial complex II deficiency, nuclear type 1. Last evaluated: 2025-07-02. Review status: criteria provided, single submitter. Criteria: Invitae Variant Classification Sherloc (09022015). Collection method: clinical testing. Allele origin: germline.
Comment: This variant, c.1316_1330dup, results in the insertion of 5 amino acid(s) of the SDHA protein (p.Gly439_Cys443dup), but otherwise preserves the integrity of the reading frame. This variant is not present in population databases (gnomAD no frequency). This variant has not been reported in the literature in individuals affected with SDHA-related conditions. ClinVar contains an entry for this variant (Variation ID: 480863). Experimental studies and prediction algorithms are not available or were not evaluated, and the functional significance of this variant is currently unknown. In summary, the available evidence is currently insufficient to determine the role of this variant in disease. Therefore, it has been classified as a Variant of Uncertain Significance.

Ambry Genetics
Classification: Uncertain significance for Hereditary cancer-predisposing syndrome. Last evaluated: 2024-04-30. Review status: criteria provided, single submitter. Criteria: Ambry Variant Classification Scheme 2023. Collection method: clinical testing. Allele origin: germline.
Comment: The c.1316_1330dup15 variant (also known as p.G439_C443dup), located in coding exon 10 of the SDHA gene, results from an in-frame duplication of 15 nucleotides at nucleotide positions 1316 to 1330. This results in the duplication of 5 extra residues (GEAAC) between codons 439 and 443. The duplicated amino acid region is well conserved in available vertebrate species. In addition, this alteration is predicted to be deleterious by in silico analysis (Choi Y et al. PLoS ONE. 2012; 7(10):e46688). Based on the available evidence, the clinical significance of this variant remains unclear.

NM_004168.4(SDHA):c.1316_1330dup (p.Gly439_Cys443dup)

Gene: SDHA (succinate dehydrogenase complex flavoprotein subunit A; plus strand). Cytogenetic location: 5p15.33.
Variant type: Duplication.
Coding change: c.1316_1330dup on transcript NM_004168.4 (MANE Select); coding-DNA positions 1316 to 1330, 15 bases duplicated (GGGAGGCCGCCTGTG).
Protein change: p.Gly439_Cys443dup.
Molecular consequence: inframe insertion.
Genome position (GRCh38, 1-based): chr5:236,483-236,497, GGGAGGCCGCCTGTG duplicated; duplicating any 15 consecutive bases within chr5:236,475-236,497 gives the same sequence; the c. name uses the placement nearest the transcript's 3' end. VCF-style (leftmost placement, unchanged base first): chr5-236474-A-ACGCCTGTGGGGAGGC. GRCh37 (hg19) VCF-style: chr5-236589-A-ACGCCTGTGGGGAGGC.
Other names: c.1172_1186dup, p.Gly391_Cys395dup (NM_001294332.2); c.1316_1330dup, p.Gly439_Cys443dup (NM_001330758.2).
Identifiers: ClinVar variation 480863 (VCV000480863.14), dbSNP rs768469627, ClinGen allele CA658657411.